The following is an entry in ClinVar:

ClinVar aggregate classification (germline): Pathogenic (1 of 4 stars; one submission).

Conditions:
Osteogenesis imperfecta type I (OI1). Also called: Lobstein disease; Classic Non-deforming Osteogenesis Imperfecta with Blue Sclerae; OI, TYPE I; OSTEOGENESIS IMPERFECTA TARDA; OSTEOGENESIS IMPERFECTA WITH BLUE SCLERAE; Osteogenesis imperfecta type 1. Identifiers: Orphanet 216796, Orphanet 666, MedGen C0023931, MONDO:0008146, OMIM 166200. Disease mechanism: loss of function.

Submission:

Labcorp Genetics (formerly Invitae), Labcorp
Classification: Pathogenic for Osteogenesis imperfecta type I. Last evaluated: 2023-04-22. Review status: criteria provided, single submitter. Criteria: Invitae Variant Classification Sherloc (09022015). Collection method: clinical testing. Allele origin: germline.
Comment: For these reasons, this variant has been classified as Pathogenic. This variant disrupts the triple helix domain of COL1A1. Glycine residues within the Gly-Xaa-Yaa repeats of the triple helix domain are required for the structure and stability of fibrillar collagens (PMID: 7695699, 8218237, 19344236). In COL1A1, variants affecting these glycine residues are significantly enriched in individuals with disease (PMID: 9016532, 17078022) compared to the general population (ExAC). Advanced modeling of protein sequence and biophysical properties (such as structural, functional, and spatial information, amino acid conservation, physicochemical variation, residue mobility, and thermodynamic stability) performed at Invitae indicates that this missense variant is expected to disrupt COL1A1 protein function. This missense change has been observed in individual(s) with osteogenesis imperfecta type III (PMID: 30715774). This variant is not present in population databases (gnomAD no frequency). This sequence change replaces glycine, which is neutral and non-polar, with alanine, which is neutral and non-polar, at codon 437 of the COL1A1 protein (p.Gly437Ala).

Literature cited by the submitters: PubMed 7695699; PubMed 8218237; PubMed 19344236; PubMed 9016532; PubMed 17078022; PubMed 30715774.

NM_000088.4(COL1A1):c.1310G>C (p.Gly437Ala)

Gene: COL1A1 (collagen type I alpha 1 chain; minus strand). Cytogenetic location: 17q21.33.
Variant type: single nucleotide variant.
Coding change: c.1310G>C on transcript NM_000088.4 (MANE Select); coding-DNA position 1310, G replaced by C.
Protein change: p.Gly437Ala; replaces glycine 437 with alanine.
Molecular consequence: missense variant.
Genome position (GRCh38, 1-based): chr17:50,195,090, C>G on the plus strand (G>C on the coding strand, the complement: COL1A1 is on the minus strand). VCF-style: chr17-50195090-C-G. GRCh37 (hg19) VCF-style: chr17-48272451-C-G.
Other names: short protein forms G437A.
Identifiers: ClinVar variation 2884075 (VCV002884075.3), dbSNP rs2509224349, ClinGen allele CA400218592.